The following is an entry in ClinVar:

ClinVar aggregate classification (germline): Pathogenic/Likely pathogenic. Review status: criteria provided, multiple submitters, no conflicts (2 of 4 stars). 4 submissions from 4 submitters: Pathogenic (1); Likely pathogenic (3). Last evaluated 2026-01-21.

Conditions:
Smith-Lemli-Opitz syndrome (SLOS). Also called: POLYDACTYLY, SEX REVERSAL, RENAL HYPOPLASIA, AND UNILOBAR LUNG; RSH SYNDROME; RUTLEDGE LETHAL MULTIPLE CONGENITAL ANOMALY SYNDROME; LETHAL ACRODYSGENITAL SYNDROME; 7-Dehydrocholesterol reductase deficiency. Identifiers: Orphanet 818, MedGen C0175694, MONDO:0010035, OMIM 270400.

Allele frequency attached by ClinVar (database versions not stated): gnomAD 0.00001; gnomAD exomes 0.00001 and 0.00004; ExAC 0.00004; 1000 Genomes Project 30x 0.00016; 1000 Genomes Project 0.00020.
gnomAD v4.1: 19 of 1,614,222 alleles (0.0012%); highest among the groups gnomAD compares: South Asian, 0.019%; no homozygotes.

Submissions (4):

Natera, Inc.
Classification: Likely pathogenic for Smith-Lemli-Opitz syndrome. Last evaluated: 2026-01-21. Review status: criteria provided, single submitter. Criteria: Natera Variant Classification Schema (03/2026). Collection method: clinical testing. Allele origin: germline.
Comment: The c.545G>A variant in DHCR7 is a nonsense variant predicted to introduce a stop codon at amino acid 182. This variant is expected to result in nonsense mediated decay, truncation, or a dysfunctional protein product. This variant is rare in the general population with a frequency below the threshold expected for the associated phenotype(s). Given the available evidence, this variant is classified as Likely Pathogenic.

Fulgent Genetics
Classification: Likely pathogenic for Smith-Lemli-Opitz syndrome. Last evaluated: 2024-03-05. Review status: criteria provided, single submitter. Criteria: ACMG Guidelines, 2015. Collection method: clinical testing. Allele origin: germline.

Labcorp Genetics (formerly Invitae), Labcorp
Classification: Pathogenic for Smith-Lemli-Opitz syndrome. Last evaluated: 2023-12-30. Review status: criteria provided, single submitter. Criteria: Invitae Variant Classification Sherloc (09022015). Collection method: clinical testing. Allele origin: germline.
Comment: This sequence change creates a premature translational stop signal (p.Trp182*) in the DHCR7 gene. It is expected to result in an absent or disrupted protein product. Loss-of-function variants in DHCR7 are known to be pathogenic (PMID: 9634533, 10677299). This variant is present in population databases (rs536394774, gnomAD 0.03%). This variant has not been reported in the literature in individuals affected with DHCR7-related conditions. ClinVar contains an entry for this variant (Variation ID: 1074358). For these reasons, this variant has been classified as Pathogenic.

Department of Pathology and Laboratory Medicine, Sinai Health System
Classification: Likely pathogenic for Smith-Lemli-Opitz syndrome. Last evaluated: 2022-10-31. Review status: criteria provided, single submitter. Criteria: ACMG Guidelines, 2015. Collection method: research. Allele origin: germline.

Literature cited by the submitters: PubMed 9634533 (cited by Labcorp Genetics (formerly Invitae), Labcorp); PubMed 10677299 (cited by Labcorp Genetics (formerly Invitae), Labcorp).

NM_001360.3(DHCR7):c.545G>A (p.Trp182Ter)

Gene: DHCR7 (7-dehydrocholesterol reductase; minus strand). Cytogenetic location: 11q13.4.
Variant type: single nucleotide variant.
Coding change: c.545G>A on transcript NM_001360.3 (MANE Select); coding-DNA position 545, G replaced by A.
Protein change: p.Trp182Ter; replaces tryptophan 182 with a stop codon.
Molecular consequence: nonsense.
Genome position (GRCh38, 1-based): chr11:71,441,308, C>T on the plus strand (G>A on the coding strand, the complement: DHCR7 is on the minus strand). VCF-style: chr11-71441308-C-T. GRCh37 (hg19) VCF-style: chr11-71152354-C-T.
Other names: c.545G>A (NM_001360.2); c.545G>A, p.Trp182Ter (NM_001163817.2); short protein forms W182*.
Identifiers: ClinVar variation 1074358 (VCV001074358.10), dbSNP rs536394774, ClinGen allele CA6162538.